The following is an entry in ClinVar:

ClinVar aggregate classification (germline): Uncertain significance (1 of 4 stars; one submission).

Allele frequency attached by ClinVar (database versions not stated): gnomAD exomes below 0.00001 and 0.00002; gnomAD 0.00001; TOPMed 0.00001; ExAC 0.00002.
gnomAD v4.1: 9 of 1,614,036 alleles (0.00056%); highest among the groups gnomAD compares: Admixed American, 0.01%; no homozygotes.

Submission:

Labcorp Genetics (formerly Invitae), Labcorp
Classification: Uncertain significance. Last evaluated: 2022-10-13. Review status: criteria provided, single submitter. Criteria: Invitae Variant Classification Sherloc (09022015). Collection method: clinical testing. Allele origin: germline.
Comment: In summary, the available evidence is currently insufficient to determine the role of this variant in disease. Therefore, it has been classified as a Variant of Uncertain Significance. Advanced modeling of protein sequence and biophysical properties (such as structural, functional, and spatial information, amino acid conservation, physicochemical variation, residue mobility, and thermodynamic stability) performed at Invitae indicates that this missense variant is not expected to disrupt ACO2 protein function. ClinVar contains an entry for this variant (Variation ID: 1440335). This variant has not been reported in the literature in individuals affected with ACO2-related conditions. This variant is present in population databases (rs753640444, gnomAD 0.02%). This sequence change replaces alanine, which is neutral and non-polar, with threonine, which is neutral and polar, at codon 710 of the ACO2 protein (p.Ala710Thr).

NM_001098.3(ACO2):c.2128G>A (p.Ala710Thr)

Genes: ACO2 (aconitase 2; plus strand), POLR3H (RNA polymerase III subunit H; minus strand). Cytogenetic location: 22q13.2.
Variant type: single nucleotide variant.
Coding change: c.2128G>A on transcript NM_001098.3 (MANE Select); coding-DNA position 2128, G replaced by A.
Protein change: p.Ala710Thr; replaces alanine 710 with threonine.
Molecular consequence: missense variant. On other transcripts: 3 prime UTR variant (5).
Genome position (GRCh38, 1-based): chr22:41,527,942, G>A. VCF-style: chr22-41527942-G-A. GRCh37 (hg19) VCF-style: chr22-41923946-G-A.
Other names: c.*1341C>T (NM_001018050.4, NM_001018052.4, NM_001282884.2 and 2 more transcripts); short protein forms A710T.
Identifiers: ClinVar variation 1440335 (VCV001440335.7), dbSNP rs753640444, ClinGen allele CA10257899.